The following is an entry in ClinVar:

NM_001164760.2(PRKAR1B):c.586G>A (p.Glu196Lys)

Gene: PRKAR1B (protein kinase cAMP-dependent type I regulatory subunit beta; minus strand). Cytogenetic location: 7p22.3.
Variant type: single nucleotide variant.
Coding change: c.586G>A on transcript NM_001164760.2 (MANE Select); coding-DNA position 586, G replaced by A.
Protein change: p.Glu196Lys; replaces glutamic acid 196 with lysine.
Molecular consequence: missense variant.
Genome position (GRCh38, 1-based): chr7:596,268, C>T on the plus strand (G>A on the coding strand, the complement: PRKAR1B is on the minus strand). VCF-style: chr7-596268-C-T. GRCh37 (hg19) VCF-style: chr7-635905-C-T.
Other names: E196K; c.586G>A, p.Glu196Lys (NM_001164758.2, NM_001164759.1, NM_001164761.2 and 2 more transcripts).
Identifiers: ClinVar variation 1329088 (VCV001329088.4), dbSNP rs76344857, ClinGen allele CA152292795.

ClinVar aggregate classification (germline): Conflicting classifications of pathogenicity. Review status: criteria provided, conflicting classifications (1 of 4 stars). 3 submissions from 3 submitters: Likely pathogenic (1); Uncertain significance (1). 1 of the submissions does not count toward it. Last evaluated 2022-12-07.

Conditions:
Marbach-Schaaf neurodevelopmental syndrome (MASNS). Identifiers: Orphanet 692173, MedGen C5562050, MONDO:0859214, OMIM 619680.

Submissions (3):

Institute of Medical Genetics and Applied Genomics, University Hospital Tübingen
Classification: Uncertain significance for Marbach-Schaaf neurodevelopmental syndrome. Last evaluated: 2022-12-07. Review status: criteria provided, single submitter. Criteria: ACMG Guidelines, 2015. Collection method: clinical testing. Allele origin: germline. Inheritance: Autosomal dominant inheritance. Affected: yes.

SIB Swiss Institute of Bioinformatics
Classification: Likely pathogenic for Marbach-Schaaf neurodevelopmental syndrome. Last evaluated: 2022-06-03. Review status: criteria provided, single submitter. Criteria: ACMG Guidelines, 2015. Collection method: curation. Allele origin: unknown.
Comment: This variant is interpreted as likely pathogenic for Marbach-Schaaf neurodevelopmental syndrome, autosomal dominant. The following ACMG Tag(s) were applied: Absent from controls (or at extremely low frequency if recessive) in Exome Sequencing Project, 1000 Genomes Project, or Exome Aggregation Consortium (PM2); De novo (paternity and maternity confirmed) (PS2 downgraded to moderate); Multiple lines of computational evidence support a deleterious effect on the gene or gene product (PP3); Well-established functional studies show a deleterious effect (PS3 downgraded to supporting).

OMIM
Classification: Pathogenic for MARBACH-SCHAAF NEURODEVELOPMENTAL SYNDROME. Last evaluated: 2021-12-23. Review status: no assertion criteria provided. Collection method: literature only. Allele origin: germline. Not counted in ClinVar's aggregate classification.

Literature cited by the submitters: PubMed 33833410 (cited by SIB Swiss Institute of Bioinformatics and OMIM).